The following is an entry in ClinVar:

ClinVar aggregate classification (germline): Likely benign. Review status: criteria provided, multiple submitters, no conflicts (2 of 4 stars). 3 submissions from 3 submitters: Likely benign (3). Last evaluated 2023-09-24.

Conditions:
Hereditary cancer-predisposing syndrome. Also called: Tumor predisposition; Hereditary neoplastic syndrome; Neoplastic Syndromes, Hereditary; Hereditary Cancer Syndrome. Identifiers: Orphanet 140162, MedGen C0027672, MeSH D009386, MONDO:0015356.
Hereditary breast ovarian cancer syndrome. Also called: Hereditary breast and ovarian cancer syndrome (HBOC); Hereditary breast and ovarian cancer; Hereditary breast and ovarian cancer syndrome; Breast and ovarian cancer; BRCA1- and BRCA2-Associated Hereditary Breast and Ovarian Cancer; Hereditary breast and/or ovarian cancer syndrome. Identifiers: Orphanet 145, MedGen C0677776, MeSH D061325, MONDO:0003582. Disease mechanism: loss of function.

Submissions (3):

Ambry Genetics
Classification: Likely benign for Hereditary cancer-predisposing syndrome. Last evaluated: 2023-09-24. Review status: criteria provided, single submitter. Criteria: Ambry Variant Classification Scheme 2023. Collection method: clinical testing. Allele origin: germline.

Labcorp Genetics (formerly Invitae), Labcorp
Classification: Likely benign for Hereditary breast ovarian cancer syndrome. Last evaluated: 2022-02-18. Review status: criteria provided, single submitter. Criteria: Invitae Variant Classification Sherloc (09022015). Collection method: clinical testing. Allele origin: germline.

GeneDx
Classification: Likely benign. Last evaluated: 2017-06-15. Review status: criteria provided, single submitter. Criteria: GeneDx Variant Classification (06012015). Collection method: clinical testing. Allele origin: germline. Affected: yes.
Comment: This variant is considered likely benign or benign based on one or more of the following criteria: it is a conservative change, it occurs at a poorly conserved position in the protein, it is predicted to be benign by multiple in silico algorithms, and/or has population frequency not consistent with disease.

NM_007294.4(BRCA1):c.2109A>C (p.Thr703=)

Gene: BRCA1 (BRCA1 DNA repair associated; minus strand). Cytogenetic location: 17q21.31.
Variant type: single nucleotide variant.
Coding change: c.2109A>C on transcript NM_007294.4 (MANE Select); coding-DNA position 2109, A replaced by C.
Protein change: p.Thr703=; no amino-acid change (threonine 703 retained).
Molecular consequence: synonymous variant. On other transcripts: intron variant (137).
Genome position (GRCh38, 1-based): chr17:43,093,422, T>G on the plus strand (A>C on the coding strand, the complement: BRCA1 is on the minus strand). VCF-style: chr17-43093422-T-G. GRCh37 (hg19) VCF-style: chr17-41245439-T-G.
Other names: c.646+1322A>C (NM_001408458.1, NM_001408469.1, NM_001408453.1 and 11 more transcripts); c.283+1322A>C (NM_001408512.1); c.406+1322A>C (NM_001408510.1); c.643+1322A>C (NM_001408470.1, NM_001408464.1, NM_001408468.1 and 3 more transcripts); c.784+1322A>C (NM_001408397.1, NM_001408401.1, NM_001408396.1 and 13 more transcripts); c.664+1322A>C (NM_001408436.1, NM_001408444.1, NM_001408438.1 and 12 more transcripts); c.787+1322A>C (NM_001407980.1, NM_001407993.1, NM_001407976.1 and 17 more transcripts); c.652+1322A>C (NM_001408451.1); and 41 more.
Identifiers: ClinVar variation 518105 (VCV000518105.8), dbSNP rs4986844, ClinGen allele CA500232927.